The following is an entry in ClinVar:

ClinVar aggregate classification (germline): Uncertain significance (1 of 4 stars; one submission).

Conditions:
Hereditary cancer-predisposing syndrome. Also called: Neoplastic Syndromes, Hereditary; Tumor predisposition; Hereditary neoplastic syndrome; Hereditary Cancer Syndrome. Identifiers: Orphanet 140162, MedGen C0027672, MeSH D009386, MONDO:0015356.

Allele frequency attached by ClinVar (database versions not stated): TOPMed below 0.00001.

Submission:

Ambry Genetics
Classification: Uncertain significance for Hereditary cancer-predisposing syndrome. Last evaluated: 2024-02-10. Review status: criteria provided, single submitter. Criteria: Ambry Variant Classification Scheme 2023. Collection method: clinical testing. Allele origin: germline.
Comment: The p.N195S variant (also known as c.584A>G), located in coding exon 6 of the MRE11A gene, results from an A to G substitution at nucleotide position 584. The asparagine at codon 195 is replaced by serine, an amino acid with highly similar properties. This amino acid position is conserved. In addition, this alteration is predicted to be tolerated by in silico analysis. Based on the available evidence, the clinical significance of this alteration remains unclear.

NM_005591.4(MRE11):c.584A>G (p.Asn195Ser)

Gene: MRE11 (MRE11 double strand break repair nuclease; minus strand). Cytogenetic location: 11q21.
Variant type: single nucleotide variant.
Coding change: c.584A>G on transcript NM_005591.4 (MANE Select); coding-DNA position 584, A replaced by G.
Protein change: p.Asn195Ser; replaces asparagine 195 with serine.
Molecular consequence: missense variant.
Genome position (GRCh38, 1-based): chr11:94,476,364, T>C on the plus strand (A>G on the coding strand, the complement: MRE11 is on the minus strand). VCF-style: chr11-94476364-T-C. GRCh37 (hg19) VCF-style: chr11-94209530-T-C.
Other names: c.584A>G, p.Asn195Ser (NM_001330347.2, NM_005590.4); short protein forms N195S.
Identifiers: ClinVar variation 3224862 (VCV003224862.1), dbSNP rs1946855757, ClinGen allele CA382376910.